The following is an entry in ClinVar:

ClinVar aggregate classification (germline): Benign. Review status: criteria provided, multiple submitters, no conflicts (2 of 4 stars). 2 submissions from 2 submitters: Benign (2). Last evaluated 2018-06-16.

Allele frequency attached by ClinVar (database versions not stated): gnomAD exomes 0.06259; TOPMed 0.06314; gnomAD 0.06360 and 0.06370; 1000 Genomes Project 0.06470; 1000 Genomes Project 30x 0.06886.
gnomAD v4.1: 55,704 of 889,214 alleles (6.3%); highest among the groups gnomAD compares: South Asian, 9.2%; 1,979 homozygotes.

Submissions (2):

GeneDx
Classification: Benign. Last evaluated: 2018-06-16. Review status: criteria provided, single submitter. Criteria: GeneDx Variant Classification (06012015). Collection method: clinical testing. Allele origin: germline. Affected: yes.
Comment: This variant is considered likely benign or benign based on one or more of the following criteria: it is a conservative change, it occurs at a poorly conserved position in the protein, it is predicted to be benign by multiple in silico algorithms, and/or has population frequency not consistent with disease.

Breakthrough Genomics
Classification: Benign. Review status: criteria provided, single submitter. Criteria: ACMG Guidelines, 2015. Collection method: not provided. Allele origin: germline. Inheritance: Autosomal dominant inheritance. Affected: yes.

NM_001127222.2(CACNA1A):c.5528+1223C>T

Gene: CACNA1A (calcium voltage-gated channel subunit alpha1 A; minus strand). Cytogenetic location: 19p13.13.
Variant type: single nucleotide variant.
Coding change: c.5528+1223C>T on transcript NM_001127222.2 (MANE Select); 1223 bases into the intron after coding-DNA position 5528, C replaced by T.
Molecular consequence: intron variant.
Genome position (GRCh38, 1-based): chr19:13,228,859, G>A on the plus strand (C>T on the coding strand, the complement: CACNA1A is on the minus strand). VCF-style: chr19-13228859-G-A. GRCh37 (hg19) VCF-style: chr19-13339673-G-A.
Other names: c.5532-64C>T (NM_001127221.2); c.5537+1223C>T (NM_001174080.2); c.5546+1223C>T (NM_000068.4, NM_023035.3).
Identifiers: ClinVar variation 674461 (VCV000674461.2), dbSNP rs17846918, ClinGen allele CA14697539.
Genomic context (GRCh38, chr19:13,228,859, plus strand): 5'-AAAGGAGAAGAAAGGGGGTTAGTGCAGGCAATGGGTTCACACGGGCTCCCTGGGCACACA[G>A]CGAGGTCATGATGCCCGAGGCTGGGGTGTCCCTGGCTTGAAGGAGTGGGAGAGACTGGGG-3'